The following is an entry in ClinVar:

ClinVar aggregate classification (germline): Pathogenic. Review status: criteria provided, multiple submitters, no conflicts (2 of 4 stars). 2 submissions from 2 submitters: Pathogenic (2). Last evaluated 2026-09-04.

Conditions:
Primary ciliary dyskinesia. Also called: Ciliary dyskinesia. Identifiers: Orphanet 244, MedGen C0008780, MONDO:0016575, HP:0012265.
Primary ciliary dyskinesia 3. Identifiers: Orphanet 244, MedGen C1837618, MONDO:0012085, OMIM 608644.

Submissions (2):

Myriad Genetics, Inc.
Classification: Pathogenic for Primary ciliary dyskinesia 3. Last evaluated: 2026-09-04. Review status: criteria provided, single submitter. Criteria: Myriad Autosomal Dominant, Autosomal Recessive and X-Linked Classification Criteria (2023). Collection method: clinical testing. Allele origin: unknown.
Comment: NM_001369.2(DNAH5):c.11227_11230delAGAA(R3743Lfs*3) is expected to be pathogenic in the context of primary ciliary dyskinesia, DNAH5-related. This variant is predicted to lead to an abnormal or absent protein product due to the creation of a premature termination codon in DNAH5, a gene where loss-of-function variants are known to be pathogenic. Please note: this variant was assessed in the context of healthy population screening.

Cambridge Genomics Laboratory, East Genomic Laboratory Hub, NHS Genomic Medicine Service
Classification: Pathogenic for Primary ciliary dyskinesia. Last evaluated: 2019-11-30. Review status: criteria provided, single submitter. Criteria: ACGS Best Practice Guidelines for Variant Classification in Rare Disease 2020. Collection method: clinical testing. Allele origin: germline. Affected: yes. Observed: 1 variant allele.

NM_001369.3(DNAH5):c.11227_11230del (p.Arg3743fs)

Genes: DNAH5 (dynein axonemal heavy chain 5; minus strand), LOC107457585 (meiotic recombination hotspot J; plus strand). Cytogenetic location: 5p15.2.
Variant type: Microsatellite.
Coding change: c.11227_11230del on transcript NM_001369.3 (MANE Select); coding-DNA positions 11227 to 11230, 4 bases deleted (AGAA; older notation c.11227_11230delAGAA).
Protein change: p.Arg3743fs; shifts the reading frame from arginine 3743.
Molecular consequence: frameshift variant.
Genome position (GRCh38, 1-based): chr5:13,737,477-13,737,480, TTCT deleted on the plus strand (AGAA on the coding strand, the reverse complement: DNAH5 is on the minus strand); deleting any 4 consecutive bases within chr5:13,737,477-13,737,488 gives the same sequence; the c. name uses the placement nearest the transcript's 3' end. VCF-style (leftmost placement, unchanged base first): chr5-13737476-GTTCT-G. GRCh37 (hg19) VCF-style: chr5-13737585-GTTCT-G.
Other names: short protein forms R3743fs.
Identifiers: ClinVar variation 4075110 (VCV004075110.2).